The following is an entry in ClinVar:

ClinVar aggregate classification (germline): Uncertain significance (1 of 4 stars; one submission).

Submission:

Ambry Genetics
Classification: Uncertain significance. Last evaluated: 2022-09-12. Review status: criteria provided, single submitter. Criteria: Ambry Variant Classification Scheme 2023. Collection method: clinical testing. Allele origin: germline.
Comment: The p.R61C variant (also known as c.181C>T), located in coding exon 1 of the GALNT12 gene, results from a C to T substitution at nucleotide position 181. The arginine at codon 61 is replaced by cysteine, an amino acid with highly dissimilar properties. This amino acid position is conserved. In addition, this alteration is predicted to be tolerated by in silico analysis. Since supporting evidence is limited at this time, the clinical significance of this alteration remains unclear.

NM_024642.5(GALNT12):c.181C>T (p.Arg61Cys)

Gene: GALNT12 (polypeptide N-acetylgalactosaminyltransferase 12; plus strand). Cytogenetic location: 9q22.33.
Variant type: single nucleotide variant.
Coding change: c.181C>T on transcript NM_024642.5 (MANE Select); coding-DNA position 181, C replaced by T.
Protein change: p.Arg61Cys; replaces arginine 61 with cysteine.
Molecular consequence: missense variant.
Genome position (GRCh38, 1-based): chr9:98,807,879, C>T. VCF-style: chr9-98807879-C-T. GRCh37 (hg19) VCF-style: chr9-101570161-C-T.
Other names: short protein forms R61C.
Identifiers: ClinVar variation 1780736 (VCV001780736.2), dbSNP rs2118256734, ClinGen allele CA374222469.